The following is an entry in ClinVar:

ClinVar aggregate classification (germline): Uncertain significance (1 of 4 stars; one submission).

Conditions:
Inborn genetic diseases. Identifiers: MedGen C0950123, MeSH D030342.

Submission:

Ambry Genetics
Classification: Uncertain significance for Inborn genetic diseases. Last evaluated: 2026-03-19. Review status: criteria provided, single submitter. Criteria: Ambry Variant Classification Scheme 2023. Collection method: clinical testing. Allele origin: germline.
Comment: The c.1394-3C>T intronic variant results from a C to T substitution 3 nucleotides upstream from coding exon 6 in the MBD4 gene. This nucleotide position is well conserved in available vertebrate species. In silico splice site analysis predicts that this alteration will not have any significant effect on splicing. Based on the available evidence, the clinical significance of this variant remains unclear.

NM_001276270.2(MBD4):c.1394-3C>T

Gene: MBD4 (methyl-CpG binding domain 4, DNA glycosylase; minus strand). Cytogenetic location: 3q21.3.
Variant type: single nucleotide variant.
Coding change: c.1394-3C>T on transcript NM_001276270.2 (MANE Select); 3 bases into the intron before coding-DNA position 1394, C replaced by T.
Molecular consequence: intron variant.
Genome position (GRCh38, 1-based): chr3:129,433,250, G>A on the plus strand (C>T on the coding strand, the complement: MBD4 is on the minus strand). VCF-style: chr3-129433250-G-A. GRCh37 (hg19) VCF-style: chr3-129152093-G-A.
Other names: c.458-3C>T (NM_001276273.2); c.1412-3C>T (NM_001276272.2, NM_003925.3, NM_001276271.2).
Identifiers: ClinVar variation 4859554 (VCV004859554.1).